The following is an entry in ClinVar:

ClinVar aggregate classification (germline): Uncertain significance (1 of 4 stars; one submission).

Submission:

Labcorp Genetics (formerly Invitae), Labcorp
Classification: Uncertain significance. Last evaluated: 2025-04-21. Review status: criteria provided, single submitter. Criteria: Invitae Variant Classification Sherloc (09022015). Collection method: clinical testing. Allele origin: germline.
Comment: This sequence change replaces phenylalanine, which is neutral and non-polar, with tyrosine, which is neutral and polar, at codon 1667 of the FBN3 protein (p.Phe1667Tyr). This variant is not present in population databases (gnomAD no frequency). This variant has not been reported in the literature in individuals affected with FBN3-related conditions. Invitae Evidence Modeling of protein sequence and biophysical properties (such as structural, functional, and spatial information, amino acid conservation, physicochemical variation, residue mobility, and thermodynamic stability) indicates that this missense variant is not expected to disrupt FBN3 protein function with a negative predictive value of 80%. In summary, the available evidence is currently insufficient to determine the role of this variant in disease. Therefore, it has been classified as a Variant of Uncertain Significance.

NM_032447.5(FBN3):c.5000T>A (p.Phe1667Tyr)

Gene: FBN3 (fibrillin 3; minus strand). Cytogenetic location: 19p13.2.
Variant type: single nucleotide variant.
Coding change: c.5000T>A on transcript NM_032447.5 (MANE Select); coding-DNA position 5000, T replaced by A.
Protein change: p.Phe1667Tyr; replaces phenylalanine 1667 with tyrosine.
Molecular consequence: missense variant.
Genome position (GRCh38, 1-based): chr19:8,102,813, A>T on the plus strand (T>A on the coding strand, the complement: FBN3 is on the minus strand). VCF-style: chr19-8102813-A-T. GRCh37 (hg19) VCF-style: chr19-8167697-A-T.
Other names: c.5000T>A, p.Phe1667Tyr (NM_001321431.2); short protein forms F1667Y.
Identifiers: ClinVar variation 4781320 (VCV004781320.1).